The following is an entry in ClinVar:

NM_000088.4(COL1A1):c.1929+6G>T

Gene: COL1A1 (collagen type I alpha 1 chain; minus strand). Cytogenetic location: 17q21.33.
Variant type: single nucleotide variant.
Coding change: c.1929+6G>T on transcript NM_000088.4 (MANE Select); 6 bases into the intron after coding-DNA position 1929, G replaced by T.
Molecular consequence: intron variant.
Genome position (GRCh38, 1-based): chr17:50,192,634, C>A on the plus strand (G>T on the coding strand, the complement: COL1A1 is on the minus strand). VCF-style: chr17-50192634-C-A. GRCh37 (hg19) VCF-style: chr17-48269995-C-A.
Identifiers: ClinVar variation 3713946 (VCV003713946.2).

ClinVar aggregate classification (germline): Uncertain significance (1 of 4 stars; one submission).

Conditions:
Osteogenesis imperfecta type I (OI1). Also called: OI, TYPE I; OSTEOGENESIS IMPERFECTA TARDA; OSTEOGENESIS IMPERFECTA WITH BLUE SCLERAE; Osteogenesis imperfecta type 1; Lobstein's Disease; Lobstein disease. Identifiers: Orphanet 216796, Orphanet 666, MedGen C0023931, MONDO:0008146, OMIM 166200. Disease mechanism: loss of function.

gnomAD v4.1: 2 of 1,614,096 alleles (0.00012%); highest among the groups gnomAD compares: African/African-American, 0.0013%; no homozygotes.

Submission:

Labcorp Genetics (formerly Invitae), Labcorp
Classification: Uncertain significance for Osteogenesis imperfecta type I. Last evaluated: 2024-03-07. Review status: criteria provided, single submitter. Criteria: Invitae Variant Classification Sherloc (09022015). Collection method: clinical testing. Allele origin: germline.
Comment: This sequence change falls in intron 28 of the COL1A1 gene. It does not directly change the encoded amino acid sequence of the COL1A1 protein. It affects a nucleotide within the consensus splice site. This variant is present in population databases (rs770492541, gnomAD 0.007%). This variant has not been reported in the literature in individuals affected with COL1A1-related conditions. Variants that disrupt the consensus splice site are a relatively common cause of aberrant splicing (PMID: 17576681, 9536098). Algorithms developed to predict the effect of sequence changes on RNA splicing suggest that this variant is not likely to affect RNA splicing. In summary, the available evidence is currently insufficient to determine the role of this variant in disease. Therefore, it has been classified as a Variant of Uncertain Significance.

Literature cited by the submitters: PubMed 17576681; PubMed 9536098.